The following is an entry in ClinVar:

ClinVar aggregate classification (germline): Uncertain significance (1 of 4 stars; one submission).

Submission:

Ambry Genetics
Classification: Uncertain significance. Last evaluated: 2021-06-29. Review status: criteria provided, single submitter. Criteria: Ambry Variant Classification Scheme 2023. Collection method: clinical testing. Allele origin: germline.
Comment: The p.T1462N variant (also known as c.4385C>A), located in coding exon 40 of the KIF1B gene, results from a C to A substitution at nucleotide position 4385. The threonine at codon 1462 is replaced by asparagine, an amino acid with similar properties. This amino acid position is conserved. In addition, the in silico prediction for this alteration is inconclusive. Since supporting evidence is limited at this time, the clinical significance of this alteration remains unclear.

NM_001365951.3(KIF1B):c.4523C>A (p.Thr1508Asn)

Gene: KIF1B (kinesin family member 1B; plus strand). Cytogenetic location: 1p36.22.
Variant type: single nucleotide variant.
Coding change: c.4523C>A on transcript NM_001365951.3 (MANE Select); coding-DNA position 4523, C replaced by A.
Protein change: p.Thr1508Asn; replaces threonine 1508 with asparagine.
Molecular consequence: missense variant.
Genome position (GRCh38, 1-based): chr1:10,365,419, C>A. VCF-style: chr1-10365419-C-A. GRCh37 (hg19) VCF-style: chr1-10425477-C-A.
Other names: c.4523C>A, p.Thr1508Asn (NM_001365952.1); c.4385C>A, p.Thr1462Asn (NM_015074.3); short protein forms T1462N, T1508N.
Identifiers: ClinVar variation 1740176 (VCV001740176.2), dbSNP rs2521913681, ClinGen allele CA338321509.